The following is an entry in ClinVar:

NM_004369.4(COL6A3):c.1826G>A (p.Arg609Gln)

Gene: COL6A3 (collagen type VI alpha 3 chain; minus strand). Cytogenetic location: 2q37.3.
Variant type: single nucleotide variant.
Coding change: c.1826G>A on transcript NM_004369.4 (MANE Select); coding-DNA position 1826, G replaced by A.
Protein change: p.Arg609Gln; replaces arginine 609 with glutamine.
Molecular consequence: missense variant.
Genome position (GRCh38, 1-based): chr2:237,380,986, C>T on the plus strand (G>A on the coding strand, the complement: COL6A3 is on the minus strand). VCF-style: chr2-237380986-C-T. GRCh37 (hg19) VCF-style: chr2-238289629-C-T.
Other names: c.605G>A, p.Arg202Gln (NM_057164.5, NM_057166.5); c.1208G>A, p.Arg403Gln (NM_057165.5, NM_057167.4); short protein forms R609Q, R202Q, R403Q.
Identifiers: ClinVar variation 162546 (VCV000162546.25), dbSNP rs149330325, ClinGen allele CA295305.

ClinVar aggregate classification (germline): Conflicting classifications of pathogenicity. Review status: criteria provided, conflicting classifications (1 of 4 stars). 5 submissions from 5 submitters: Uncertain significance (2); Likely benign (3). Last evaluated 2025-12-24.

Conditions:
Collagen 6-related myopathy. Identifiers: MedGen CN117976, MONDO:0100225.
Bethlem myopathy 1A. Also called: MYOPATHY, BENIGN CONGENITAL, WITH CONTRACTURES; Bethlem Muscular Dystrophy; Bethlem myopathy 1. Identifiers: Orphanet 610, MedGen CN029274, MONDO:0024530, OMIM 158810.

Allele frequency attached by ClinVar (database versions not stated): gnomAD 0.00006; TOPMed 0.00011; ESP Exome Variant Server 0.00015; gnomAD exomes 0.00016; 1000 Genomes Project 30x 0.00047; 1000 Genomes Project 0.00060.
gnomAD v4.1: 130 of 1,614,178 alleles (0.0081%); highest among the groups gnomAD compares: Admixed American, 0.033%; no homozygotes.

Submissions (5):

Labcorp Genetics (formerly Invitae), Labcorp
Classification: Likely benign for Bethlem myopathy 1A. Last evaluated: 2025-12-24. Review status: criteria provided, single submitter. Criteria: Invitae Variant Classification Sherloc (09022015). Collection method: clinical testing. Allele origin: germline.

Revvity Omics, Revvity
Classification: Uncertain significance. Last evaluated: 2025-03-31. Review status: criteria provided, single submitter. Criteria: ACMG Guidelines, 2015. Collection method: clinical testing. Allele origin: germline.

Blueprint Genetics
Classification: Likely benign. Last evaluated: 2024-03-26. Review status: criteria provided, single submitter. Criteria: ACMG Guidelines, 2015. Collection method: clinical testing. Allele origin: germline.

Illumina Laboratory Services, Illumina
Classification: Likely benign for Collagen VI-related myopathy. Last evaluated: 2018-01-12. Review status: criteria provided, single submitter. Criteria: ICSL Variant Classification Criteria 13 December 2019. Collection method: clinical testing. Allele origin: germline.
Comment: This variant was observed in the ICSL laboratory as part of a predisposition screen in an ostensibly healthy population. It had not been previously curated by ICSL or reported in the Human Gene Mutation Database (HGMD: prior to June 1st, 2018), and was therefore a candidate for classification through an automated scoring system. Utilizing variant allele frequency, disease prevalence and penetrance estimates, and inheritance mode, an automated score was calculated to assess if this variant is too frequent to cause the disease. Based on the score and internal cut-off values, a variant classified as likely benign is not then subjected to further curation. The score for this variant resulted in a classification of likely benign for this disease.

Eurofins Ntd Llc (ga)
Classification: Uncertain significance. Last evaluated: 2017-11-28. Review status: criteria provided, single submitter. Criteria: EGL Classification Definitions 2015. Collection method: clinical testing. Allele origin: germline. Observed: 1 variant allele, 1 heterozygote.